The following is an entry in ClinVar:

ClinVar aggregate classification (germline): Likely benign (0 of 4 stars; one submission).

Conditions:
PCNT-related disorder. Also called: PCNT-related condition.

gnomAD v4.1: 1 of 1,609,912 alleles (0.000062%); highest among the groups gnomAD compares: Admixed American, 0.0017%; no homozygotes.

Submission:

PreventionGenetics, part of Exact Sciences
Classification: Likely benign for PCNT-related condition. Last evaluated: 2022-06-03. Review status: no assertion criteria provided. Collection method: clinical testing. Allele origin: germline.
Comment: This variant is classified as likely benign based on ACMG/AMP sequence variant interpretation guidelines (Richards et al. 2015 PMID: 25741868, with internal and published modifications).

NM_006031.6(PCNT):c.2586G>A (p.Leu862=)

Gene: PCNT (pericentrin; plus strand). Cytogenetic location: 21q22.3.
Variant type: single nucleotide variant.
Coding change: c.2586G>A on transcript NM_006031.6 (MANE Select); coding-DNA position 2586, G replaced by A.
Protein change: p.Leu862=; no amino-acid change (leucine 862 retained).
Molecular consequence: synonymous variant.
Genome position (GRCh38, 1-based): chr21:46,363,911, G>A. VCF-style: chr21-46363911-G-A. GRCh37 (hg19) VCF-style: chr21-47783826-G-A.
Other names: c.2232G>A, p.Leu744= (NM_001315529.2).
Identifiers: ClinVar variation 3353612 (VCV003353612.1).
Genomic context (GRCh38, chr21:46,363,911, plus strand): 5'-GCCGCCCACAGCCCAGGACGGGGAGCTTGCTGCGCTCCACGTGAAGGAAGACTGCGCCCT[G>A]CAGCTGATGCTGGCCCGGAGCAGGTGGGTTTGCAGTGACGCCATCTGCAGTCCCTGTGAG-3'
Protein context (NP_006022.3, residues 852-872): AALHVKEDCA[Leu862=]QLMLARSRFL